The following is an entry in ClinVar:

NM_021098.3(CACNA1H):c.1075A>G (p.Ile359Val)

Gene: CACNA1H (calcium voltage-gated channel subunit alpha1 H; plus strand). Cytogenetic location: 16p13.3.
Variant type: single nucleotide variant.
Coding change: c.1075A>G on transcript NM_021098.3 (MANE Select); coding-DNA position 1075, A replaced by G.
Protein change: p.Ile359Val; replaces isoleucine 359 with valine.
Molecular consequence: missense variant.
Genome position (GRCh38, 1-based): chr16:1,200,527, A>G. VCF-style: chr16-1200527-A-G. GRCh37 (hg19) VCF-style: chr16-1250527-A-G.
Other names: c.1075A>G, p.Ile359Val (NM_001005407.2); short protein forms I359V.
Identifiers: ClinVar variation 3748063 (VCV003748063.2).

ClinVar aggregate classification (germline): Uncertain significance (1 of 4 stars; one submission).

Conditions:
Idiopathic generalized epilepsy. Also called: Generalised epilepsy; EIG. Identifiers: MedGen C0270850, MONDO:0005579, OMIM 600669.
Hyperaldosteronism, familial, type IV (HALD4). Also called: FH IV; ALDOSTERONISM, PRIMARY, AND HYPERTENSION. Identifiers: Orphanet 642671, MedGen C4310756, MONDO:0014875, OMIM 617027.

gnomAD v4.1: 2 of 1,612,198 alleles (0.00012%); highest among the groups gnomAD compares: Non-Finnish European, 0.000085%; no homozygotes.

Submission:

Labcorp Genetics (formerly Invitae), Labcorp
Classification: Uncertain significance for Idiopathic generalized epilepsy; Hyperaldosteronism, familial, type IV. Last evaluated: 2025-07-07. Review status: criteria provided, single submitter. Criteria: Invitae Variant Classification Sherloc (09022015). Collection method: clinical testing. Allele origin: germline.
Comment: This sequence change replaces isoleucine, which is neutral and non-polar, with valine, which is neutral and non-polar, at codon 359 of the CACNA1H protein (p.Ile359Val). This variant is not present in population databases (gnomAD no frequency). This variant has not been reported in the literature in individuals affected with CACNA1H-related conditions. ClinVar contains an entry for this variant (Variation ID: 3748063). Invitae Evidence Modeling of protein sequence and biophysical properties (such as structural, functional, and spatial information, amino acid conservation, physicochemical variation, residue mobility, and thermodynamic stability) indicates that this missense variant is not expected to disrupt CACNA1H protein function with a negative predictive value of 80%. In summary, the available evidence is currently insufficient to determine the role of this variant in disease. Therefore, it has been classified as a Variant of Uncertain Significance.